The following is an entry in ClinVar:

ClinVar aggregate classification (germline): Likely benign (1 of 4 stars; one submission).

Conditions:
Hyperinsulinism-hyperammonemia syndrome (HHF6). Identifiers: Orphanet 35878, MedGen C1847555, MONDO:0011717, OMIM 606762.

Allele frequency attached by ClinVar (database versions not stated): 1000 Genomes Project 30x 0.00094; 1000 Genomes Project 0.00100; gnomAD 0.00208; TOPMed 0.00278.

Submissions (2):

Illumina Laboratory Services, Illumina
Classification: Likely benign for Hyperinsulinism-hyperammonemia syndrome. Last evaluated: 2018-01-12. Review status: criteria provided, single submitter. Criteria: ICSL Variant Classification Criteria 13 December 2019. Collection method: clinical testing. Allele origin: germline.
Comment: This variant was observed in the ICSL laboratory as part of a predisposition screen in an ostensibly healthy population. It had not been previously curated by ICSL or reported in the Human Gene Mutation Database (HGMD: prior to June 1st, 2018), and was therefore a candidate for classification through an automated scoring system. Utilizing variant allele frequency, disease prevalence and penetrance estimates, and inheritance mode, an automated score was calculated to assess if this variant is too frequent to cause the disease. Based on the score and internal cut-off values, a variant classified as likely benign is not then subjected to further curation. The score for this variant resulted in a classification of likely benign for this disease.

Dr. Peter K. Rogan Lab, Western University
No classification provided (evidence only). Condition: Ovarian serous cystadenocarcinoma. Review status: no classification provided. Collection method: in vitro. Allele origin: not applicable. Functional consequence: retained intron. Not counted in ClinVar's aggregate classification.

NM_005271.5(GLUD1):c.*1282G>C

Gene: GLUD1 (glutamate dehydrogenase 1; minus strand). Cytogenetic location: 10q23.2.
Variant type: single nucleotide variant.
Coding change: c.*1282G>C on transcript NM_005271.5 (MANE Select); 1282 bases downstream of the stop codon, G replaced by C.
Molecular consequence: 3 prime UTR variant.
Genome position (GRCh38, 1-based): chr10:87,050,469, C>G on the plus strand (G>C on the coding strand, the complement: GLUD1 is on the minus strand). VCF-style: chr10-87050469-C-G. GRCh37 (hg19) VCF-style: chr10-88810226-C-G.
Other names: NC_000010.10:g.88810226C>G; c.*1282G>C (NM_001318900.1, NM_001318901.1, NM_001318902.1 and 3 more transcripts).
Identifiers: ClinVar variation 301376 (VCV000301376.6), dbSNP rs181931207, ClinGen allele CA10636345.